The following is an entry in ClinVar:

NM_001081.4(CUBN):c.7087T>C (p.Cys2363Arg)

Gene: CUBN (cubilin; minus strand). Cytogenetic location: 10p13.
Variant type: single nucleotide variant.
Coding change: c.7087T>C on transcript NM_001081.4 (MANE Select); coding-DNA position 7087, T replaced by C.
Protein change: p.Cys2363Arg; replaces cysteine 2363 with arginine.
Molecular consequence: missense variant.
Genome position (GRCh38, 1-based): chr10:16,915,944, A>G on the plus strand (T>C on the coding strand, the complement: CUBN is on the minus strand). VCF-style: chr10-16915944-A-G. GRCh37 (hg19) VCF-style: chr10-16957943-A-G.
Other names: short protein forms C2363R.
Identifiers: ClinVar variation 2464577 (VCV002464577.3), dbSNP rs751672957, ClinGen allele CA5423460.

ClinVar aggregate classification (germline): Uncertain significance. Review status: criteria provided, multiple submitters, no conflicts (2 of 4 stars). 2 submissions from 2 submitters: Uncertain significance (2). Last evaluated 2026-01-02.

Conditions:
CUBN-related disorder. Also called: CUBN-related condition.
Inborn genetic diseases. Identifiers: MedGen C0950123, MeSH D030342.

Allele frequency attached by ClinVar (database versions not stated): ExAC 0.00001; gnomAD 0.00001; gnomAD exomes 0.00001; TOPMed 0.00001.
gnomAD v4.1: 5 of 1,614,094 alleles (0.00031%); highest among the groups gnomAD compares: Non-Finnish European, 0.00042%; no homozygotes.

Submissions (2):

PreventionGenetics, part of Exact Sciences
Classification: Uncertain significance for CUBN-related condition. Last evaluated: 2026-01-02. Review status: criteria provided, single submitter. Criteria: ACMG Guidelines, 2015. Collection method: clinical testing. Allele origin: germline.
Comment: The CUBN c.7087T>C variant is predicted to result in the amino acid substitution p.Cys2363Arg. To our knowledge, this variant has not been reported in the literature. This variant is reported in 0.0015% of alleles in individuals of European (Non-Finnish) descent in gnomAD. At this time, the clinical significance of this variant is uncertain due to the absence of conclusive functional and genetic evidence.

Ambry Genetics
Classification: Uncertain significance for Inborn genetic diseases. Last evaluated: 2023-03-14. Review status: criteria provided, single submitter. Criteria: Ambry Variant Classification Scheme 2023. Collection method: clinical testing. Allele origin: germline.